The following is an entry in ClinVar:

ClinVar aggregate classification (germline): Uncertain significance (1 of 4 stars; one submission).

Allele frequency attached by ClinVar (database versions not stated): gnomAD exomes below 0.00001; TOPMed below 0.00001; gnomAD 0.00001.

Submission:

Labcorp Genetics (formerly Invitae), Labcorp
Classification: Uncertain significance. Last evaluated: 2023-12-30. Review status: criteria provided, single submitter. Criteria: Invitae Variant Classification Sherloc (09022015). Collection method: clinical testing. Allele origin: germline.
Comment: This sequence change replaces serine, which is neutral and polar, with arginine, which is basic and polar, at codon 162 of the TNFRSF6B protein (p.Ser162Arg). This variant is present in population databases (no rsID available, gnomAD 0.007%). This variant has not been reported in the literature in individuals affected with TNFRSF6B-related conditions. Algorithms developed to predict the effect of missense changes on protein structure and function output the following: SIFT: "Not Available"; PolyPhen-2: "Benign"; Align-GVGD: "Not Available". The arginine amino acid residue is found in multiple mammalian species, which suggests that this missense change does not adversely affect protein function. In summary, the available evidence is currently insufficient to determine the role of this variant in disease. Therefore, it has been classified as a Variant of Uncertain Significance.

NM_003823.4(TNFRSF6B):c.484A>C (p.Ser162Arg)

Genes: RTEL1-TNFRSF6B (RTEL1-TNFRSF6B readthrough (NMD candidate); plus strand), TNFRSF6B (TNF receptor superfamily member 6b; plus strand). Cytogenetic location: 20q13.33.
Variant type: single nucleotide variant.
Coding change: c.484A>C on transcript NM_003823.4 (MANE Select); coding-DNA position 484, A replaced by C.
Protein change: p.Ser162Arg; replaces serine 162 with arginine.
Molecular consequence: missense variant. On other transcripts: non-coding transcript variant (1).
Genome position (GRCh38, 1-based): chr20:63,697,387, A>C. VCF-style: chr20-63697387-A-C. GRCh37 (hg19) VCF-style: chr20-62328740-A-C.
Other names: short protein forms S162R.
Identifiers: ClinVar variation 2706639 (VCV002706639.3), dbSNP rs1303459392, ClinGen allele CA409711550.